The following is an entry in ClinVar:

NM_001006630.2(CHRM2):c.1243C>G (p.Pro415Ala)

Genes: CHRM2 (cholinergic receptor muscarinic 2; plus strand), LOC349160 (uncharacterized LOC349160; minus strand). Cytogenetic location: 7q33.
Variant type: single nucleotide variant.
Coding change: c.1243C>G on transcript NM_001006630.2 (MANE Select); coding-DNA position 1243, C replaced by G.
Protein change: p.Pro415Ala; replaces proline 415 with alanine.
Molecular consequence: missense variant.
Genome position (GRCh38, 1-based): chr7:137,016,108, C>G. VCF-style: chr7-137016108-C-G. GRCh37 (hg19) VCF-style: chr7-136700855-C-G.
Other names: c.1243C>G, p.Pro415Ala (NM_000739.3, NM_001006626.3, NM_001006627.3 and 6 more transcripts); short protein forms P415A.
Identifiers: ClinVar variation 4784979 (VCV004784979.1).

ClinVar aggregate classification (germline): Uncertain significance (1 of 4 stars; one submission).

Submission:

Labcorp Genetics (formerly Invitae), Labcorp
Classification: Uncertain significance. Last evaluated: 2025-05-12. Review status: criteria provided, single submitter. Criteria: Invitae Variant Classification Sherloc (09022015). Collection method: clinical testing. Allele origin: germline.
Comment: This sequence change replaces proline, which is neutral and non-polar, with alanine, which is neutral and non-polar, at codon 415 of the CHRM2 protein (p.Pro415Ala). This variant is not present in population databases (gnomAD no frequency). This variant has not been reported in the literature in individuals affected with CHRM2-related conditions. An algorithm developed to predict the effect of missense changes on protein structure and function (PolyPhen-2) suggests that this variant is likely to be tolerated. In summary, the available evidence is currently insufficient to determine the role of this variant in disease. Therefore, it has been classified as a Variant of Uncertain Significance.